The following is an entry in ClinVar:

ClinVar aggregate classification (germline): Uncertain significance (1 of 4 stars; one submission).

Allele frequency attached by ClinVar (database versions not stated): gnomAD 0.00001; gnomAD exomes 0.00001; TOPMed 0.00001.
gnomAD v4.1: 19 of 1,453,350 alleles (0.0013%); highest among the groups gnomAD compares: Admixed American, 0.0024%; no homozygotes.

Submission:

Labcorp Genetics (formerly Invitae), Labcorp
Classification: Uncertain significance. Last evaluated: 2023-02-01. Review status: criteria provided, single submitter. Criteria: Invitae Variant Classification Sherloc (09022015). Collection method: clinical testing. Allele origin: germline.
Comment: The frequency data for this variant in the population databases is considered unreliable, as metrics indicate poor data quality at this position in the gnomAD database. This variant has not been reported in the literature in individuals affected with RP9-related conditions. Algorithms developed to predict the effect of missense changes on protein structure and function (SIFT, PolyPhen-2, Align-GVGD) all suggest that this variant is likely to be tolerated. In summary, the available evidence is currently insufficient to determine the role of this variant in disease. Therefore, it has been classified as a Variant of Uncertain Significance. This sequence change replaces alanine, which is neutral and non-polar, with valine, which is neutral and non-polar, at codon 13 of the RP9 protein (p.Ala13Val).

NM_203288.2(RP9):c.38C>T (p.Ala13Val)

Genes: RP9 (RP9 pre-mRNA splicing factor; minus strand), LOC129998225 (ATAC-STARR-seq lymphoblastoid silent region 18090; plus strand). Cytogenetic location: 7p14.3.
Variant type: single nucleotide variant.
Coding change: c.38C>T on transcript NM_203288.2 (MANE Select); coding-DNA position 38, C replaced by T.
Protein change: p.Ala13Val; replaces alanine 13 with valine.
Molecular consequence: missense variant.
Genome position (GRCh38, 1-based): chr7:33,109,335, G>A on the plus strand (C>T on the coding strand, the complement: RP9 is on the minus strand). VCF-style: chr7-33109335-G-A. GRCh37 (hg19) VCF-style: chr7-33148947-G-A.
Other names: short protein forms A13V.
Identifiers: ClinVar variation 2956821 (VCV002956821.3), dbSNP rs1378197675, ClinGen allele CA367185413.